The following is an entry in ClinVar:

ClinVar aggregate classification (germline): Uncertain significance (1 of 4 stars; one submission).

Conditions:
Tuberous sclerosis 2 (TSC2). Identifiers: Orphanet 805, MedGen C1860707, MONDO:0013199, OMIM 613254.

Submission:

Labcorp Genetics (formerly Invitae), Labcorp
Classification: Uncertain significance for Tuberous sclerosis 2. Last evaluated: 2022-09-01. Review status: criteria provided, single submitter. Criteria: Invitae Variant Classification Sherloc (09022015). Collection method: clinical testing. Allele origin: germline.
Comment: This sequence change replaces glutamine, which is neutral and polar, with histidine, which is basic and polar, at codon 1229 of the TSC2 protein (p.Gln1229His). This variant is not present in population databases (gnomAD no frequency). This variant has not been reported in the literature in individuals affected with TSC2-related conditions. Advanced modeling of protein sequence and biophysical properties (such as structural, functional, and spatial information, amino acid conservation, physicochemical variation, residue mobility, and thermodynamic stability) performed at Invitae indicates that this missense variant is not expected to disrupt TSC2 protein function. RNA analysis performed to evaluate the impact of this missense change on mRNA splicing indicates it does not significantly alter splicing (Invitae). In summary, the available evidence is currently insufficient to determine the role of this variant in disease. Therefore, it has been classified as a Variant of Uncertain Significance.

NM_000548.5(TSC2):c.3687G>T (p.Gln1229His)

Gene: TSC2 (TSC complex subunit 2; plus strand). Cytogenetic location: 16p13.3.
Variant type: single nucleotide variant.
Coding change: c.3687G>T on transcript NM_000548.5 (MANE Select); coding-DNA position 3687, G replaced by T.
Protein change: p.Gln1229His; replaces glutamine 1229 with histidine.
Molecular consequence: missense variant.
Genome position (GRCh38, 1-based): chr16:2,081,671, G>T. VCF-style: chr16-2081671-G-T. GRCh37 (hg19) VCF-style: chr16-2131672-G-T.
Other names: c.3684G>T, p.Gln1228His (NM_001406663.1, NM_001406664.1); c.3555G>T, p.Gln1185His (NM_001406665.1, NM_001077183.3, NM_001370404.1); c.3648G>T, p.Gln1216His (NM_001406667.1); c.3645G>T, p.Gln1215His (NM_001406668.1); c.3576G>T, p.Gln1192His (NM_001406670.1); c.3546G>T, p.Gln1182His (NM_001406671.1); c.3543G>T, p.Gln1181His (NM_001406673.1); c.3540G>T, p.Gln1180His (NM_001406675.1); and 18 more; short protein forms Q1028H, Q1029H, Q1148H, Q1181H, Q1196H, Q1228H, Q1229H, Q738H.
Identifiers: ClinVar variation 2016405 (VCV002016405.4), dbSNP rs140384709, ClinGen allele CA394292405.
Genomic context (GRCh38, chr16:2,081,671, plus strand): 5'-GATGAGCCTGGAGAACCCGCTCAGCCCTTTCTCCTCGGACATCAACAACATGCCCCTGCA[G>T]GAGCTGTCTAACGCCCTCATGGCGGCTGAGCGCTTCAAGGAGCACCGGGACACAGCCCTG-3'
Protein context (NP_000539.2, residues 1219-1239): FSSDINNMPL[Gln1229His]ELSNALMAAE